The following is an entry in ClinVar:

NM_000135.4(FANCA):c.4169G>T (p.Gly1390Val)

Genes: FANCA (FA complementation group A; minus strand), ZNF276 (zinc finger protein 276; plus strand). Cytogenetic location: 16q24.3.
Variant type: single nucleotide variant.
Coding change: c.4169G>T on transcript NM_000135.4 (MANE Select); coding-DNA position 4169, G replaced by T.
Protein change: p.Gly1390Val; replaces glycine 1390 with valine.
Molecular consequence: missense variant. On other transcripts: synonymous variant (1), 3 prime UTR variant (2), non-coding transcript variant (4).
Genome position (GRCh38, 1-based): chr16:89,738,973, C>A on the plus strand (G>T on the coding strand, the complement: FANCA is on the minus strand). VCF-style: chr16-89738973-C-A. GRCh37 (hg19) VCF-style: chr16-89805381-C-A.
Other names: c.4173G>T, p.Gly1391= (NM_001286167.3); c.*727C>A (NM_001113525.2, NM_152287.4); short protein forms G1390V.
Identifiers: ClinVar variation 1361923 (VCV001361923.5), dbSNP rs2062046761, ClinGen allele CA397483853.

ClinVar aggregate classification (germline): Uncertain significance. Review status: criteria provided, multiple submitters, no conflicts (2 of 4 stars). 2 submissions from 2 submitters: Uncertain significance (2). Last evaluated 2025-08-31.

Conditions:
Inborn genetic diseases. Identifiers: MedGen C0950123, MeSH D030342.
Fanconi anemia (FA). Also called: Fanconi's anemia. Identifiers: Orphanet 84, MedGen C0015625, MeSH D005199, MONDO:0019391.

Submissions (2):

Ambry Genetics
Classification: Uncertain significance for Inborn genetic diseases. Last evaluated: 2025-08-31. Review status: criteria provided, single submitter. Criteria: Ambry Variant Classification Scheme 2023. Collection method: clinical testing. Allele origin: germline.

Labcorp Genetics (formerly Invitae), Labcorp
Classification: Uncertain significance for Fanconi anemia. Last evaluated: 2021-10-12. Review status: criteria provided, single submitter. Criteria: Invitae Variant Classification Sherloc (09022015). Collection method: clinical testing. Allele origin: germline.
Comment: This sequence change replaces glycine with valine at codon 1390 of the FANCA protein (p.Gly1390Val). The glycine residue is moderately conserved and there is a moderate physicochemical difference between glycine and valine. This variant is not present in population databases (ExAC no frequency). This variant has not been reported in the literature in individuals affected with FANCA-related conditions. Algorithms developed to predict the effect of missense changes on protein structure and function output the following: SIFT: "Tolerated"; PolyPhen-2: "Benign"; Align-GVGD: "Class C0". The valine amino acid residue is found in multiple mammalian species, which suggests that this missense change does not adversely affect protein function. In summary, the available evidence is currently insufficient to determine the role of this variant in disease. Therefore, it has been classified as a Variant of Uncertain Significance.